The following is an entry in ClinVar:

ClinVar aggregate classification (germline): Uncertain significance (1 of 4 stars; one submission).

gnomAD v4.1: 1 of 1,613,982 alleles (0.000062%); highest among the groups gnomAD compares: Non-Finnish European, 0.000085%; no homozygotes.

Submission:

CeGaT Center for Human Genetics Tuebingen
Classification: Uncertain significance. Last evaluated: 2025-06-01. Review status: criteria provided, single submitter. Criteria: CeGaT Center For Human Genetics Tuebingen Variant Classification Criteria Version 2. Collection method: clinical testing. Allele origin: germline. Affected: yes. Observed: 1 variant allele.
Comment: SPTA1: PM2, BP4

NM_003126.4(SPTA1):c.6205C>T (p.Pro2069Ser)

Gene: SPTA1 (spectrin alpha, erythrocytic 1; minus strand). Cytogenetic location: 1q23.1.
Variant type: single nucleotide variant.
Coding change: c.6205C>T on transcript NM_003126.4 (MANE Select); coding-DNA position 6205, C replaced by T.
Protein change: p.Pro2069Ser; replaces proline 2069 with serine.
Molecular consequence: missense variant.
Genome position (GRCh38, 1-based): chr1:158,620,382, G>A on the plus strand (C>T on the coding strand, the complement: SPTA1 is on the minus strand). VCF-style: chr1-158620382-G-A. GRCh37 (hg19) VCF-style: chr1-158590172-G-A.
Other names: short protein forms P2069S.
Identifiers: ClinVar variation 4085201 (VCV004085201.8).